The following is an entry in ClinVar:

NM_017739.4(POMGNT1):c.185_186insA (p.Arg63fs)

Gene: POMGNT1 (protein O-linked mannose N-acetylglucosaminyltransferase 1 (beta 1,2-); minus strand). Cytogenetic location: 1p34.1.
Variant type: Insertion.
Coding change: c.185_186insA on transcript NM_017739.4 (MANE Select); coding-DNA positions 185 to 186, A inserted.
Protein change: p.Arg63fs; shifts the reading frame from arginine 63.
Molecular consequence: frameshift variant. On other transcripts: 5 prime UTR variant (1).
Genome position: GRCh38 VCF-style: chr1-46197019-C-CT. GRCh37 (hg19) VCF-style: chr1-46662691-C-CT.
Other names: c.185_186insA, p.Arg63fs (NM_001243766.2, NM_001410783.1); c.119_120insA, p.Arg41Alafs (NM_001290129.3); c.-245_-244insA (NM_001290130.2); short protein forms R63fs, R41fs.
Identifiers: ClinVar variation 371286 (VCV000371286.10), dbSNP rs1057517153, ClinGen allele CA16040757.

ClinVar aggregate classification (germline): Pathogenic/Likely pathogenic. Review status: criteria provided, multiple submitters, no conflicts (2 of 4 stars). 3 submissions from 3 submitters: Pathogenic (1); Likely pathogenic (1). 1 of the submissions does not count toward it. Last evaluated 2025-08-11.

Conditions:
Muscular dystrophy-dystroglycanopathy (congenital with brain and eye anomalies), type A3. Also called: Muscular dystrophy-dystroglycanopathy (congenital with brain and eye anomalies), type A, 3; Congenital muscular dystrophy-dystroglycanopathy with brain and eye anomalies, type A3; WALKER-WARBURG SYNDROME OR MUSCLE-EYE-BRAIN DISEASE, POMGNT1-RELATED. Identifiers: MedGen C3151519, MONDO:0009667, OMIM 253280.
Autosomal recessive limb-girdle muscular dystrophy type 2O. Also called: Limb-Girdle Muscular Dystrophy Type 3C; MUSCULAR DYSTROPHY-DYSTROGLYCANOPATHY, LIMB-GIRDLE, POMGNT1-RELATED; MUSCULAR DYSTROPHY-DYSTROGLYCANOPATHY (LIMB-GIRDLE), TYPE C, 3. Identifiers: Orphanet 206564, MedGen C3150417, MONDO:0013161, OMIM 613157.
Muscular dystrophy-dystroglycanopathy (congenital with impaired intellectual development), type B, 3. Also called: Muscular dystrophy-dystroglycanopathy (congenital with intellectual disability), type B3; MUSCULAR DYSTROPHY, CONGENITAL, POMGNT1-RELATED. Identifiers: MedGen C3150412, MONDO:0013155, OMIM 613151.

Submissions (3):

Labcorp Genetics (formerly Invitae), Labcorp
Classification: Pathogenic for Autosomal recessive limb-girdle muscular dystrophy type 2O; Muscular dystrophy-dystroglycanopathy (congenital with impaired intellectual development), type B, 3. Last evaluated: 2025-08-11. Review status: criteria provided, single submitter. Criteria: Invitae Variant Classification Sherloc (09022015). Collection method: clinical testing. Allele origin: germline.
Comment: This sequence change creates a premature translational stop signal (p.Arg63Alafs*5) in the POMGNT1 gene. It is expected to result in an absent or disrupted protein product. Loss-of-function variants in POMGNT1 are known to be pathogenic (PMID: 19299310, 20816175, 21447391, 26908613, 27391550). This variant is not present in population databases (gnomAD no frequency). This variant has not been reported in the literature in individuals affected with POMGNT1-related conditions. ClinVar contains an entry for this variant (Variation ID: 371286). For these reasons, this variant has been classified as Pathogenic.

Baylor Genetics
Classification: Likely pathogenic for Muscular dystrophy-dystroglycanopathy (congenital with brain and eye anomalies), type A3. Last evaluated: 2023-02-23. Review status: criteria provided, single submitter. Criteria: ACMG Guidelines, 2015. Collection method: clinical testing. Allele origin: unknown.

Counsyl
Classification: Likely pathogenic for Muscular dystrophy-dystroglycanopathy (congenital with brain and eye anomalies), type A3. Last evaluated: 2016-08-17. Review status: no assertion criteria provided. Collection method: clinical testing. Allele origin: unknown. Not counted in ClinVar's aggregate classification.

Literature cited by the submitters: PubMed 19299310 (cited by Labcorp Genetics (formerly Invitae), Labcorp); PubMed 20816175 (cited by Labcorp Genetics (formerly Invitae), Labcorp); PubMed 21447391 (cited by Labcorp Genetics (formerly Invitae), Labcorp); PubMed 26908613 (cited by Labcorp Genetics (formerly Invitae), Labcorp); PubMed 27391550 (cited by Labcorp Genetics (formerly Invitae), Labcorp).